The following is an entry in ClinVar:

NM_018896.5(CACNA1G):c.4073T>C (p.Val1358Ala)

Gene: CACNA1G (calcium voltage-gated channel subunit alpha1 G; plus strand). Cytogenetic location: 17q21.33.
Variant type: single nucleotide variant.
Coding change: c.4073T>C on transcript NM_018896.5 (MANE Select); coding-DNA position 4073, T replaced by C.
Protein change: p.Val1358Ala; replaces valine 1358 with alanine.
Molecular consequence: missense variant. On other transcripts: non-coding transcript variant (5).
Genome position (GRCh38, 1-based): chr17:50,603,103, T>C. VCF-style: chr17-50603103-T-C. GRCh37 (hg19) VCF-style: chr17-48680464-T-C.
Other names: c.4073T>C, p.Val1358Ala (NM_001256324.2, NM_001256325.2, NM_001256326.2 and 16 more transcripts); c.4004T>C, p.Val1335Ala (NM_001256332.2, NM_198382.3, NM_198383.3 and 5 more transcripts); short protein forms V1335A, V1358A.
Identifiers: ClinVar variation 2444553 (VCV002444553.2), dbSNP rs1213613810, ClinGen allele CA400255854.

ClinVar aggregate classification (germline): Uncertain significance. Review status: criteria provided, multiple submitters, no conflicts (2 of 4 stars). 2 submissions from 2 submitters: Uncertain significance (2). Last evaluated 2025-09-16.

Allele frequency attached by ClinVar (database versions not stated): gnomAD exomes below 0.00001; gnomAD 0.00001.
gnomAD v4.1: 2 of 1,613,350 alleles (0.00012%); highest among the groups gnomAD compares: Admixed American, 0.0033%; no homozygotes.

Submissions (2):

Women's Health and Genetics/Laboratory Corporation of America, LabCorp
Classification: Uncertain significance. Last evaluated: 2025-09-16. Review status: criteria provided, single submitter. Criteria: LabCorp Variant Classification Summary - May 2015. Collection method: clinical testing. Allele origin: germline.
Comment: Variant summary: CACNA1G c.4073T>C (p.Val1358Ala) results in a non-conservative amino acid change in the encoded protein sequence. Algorithms developed to predict the effect of missense changes on protein structure and function all suggest that this variant is likely to be disruptive. The variant allele was found at a frequency of 4e-06 in 249198 control chromosomes. The available data on variant occurrences in the general population are insufficient to allow any conclusion about variant significance. To our knowledge, no occurrence of c.4073T>C in individuals affected with CACNA1G-related conditions and no experimental evidence demonstrating its impact on protein function have been reported. ClinVar contains an entry for this variant (Variation ID: 2444553). Based on the evidence outlined above, the variant was classified as uncertain significance.

GeneDx
Classification: Uncertain significance. Last evaluated: 2022-09-14. Review status: criteria provided, single submitter. Criteria: GeneDx Variant Classification Process June 2021. Collection method: clinical testing. Allele origin: germline. Affected: yes.
Comment: Not observed at significant frequency in large population cohorts (gnomAD); In silico analysis supports that this missense variant has a deleterious effect on protein structure/function; Has not been previously published as pathogenic or benign to our knowledge